The following is an entry in ClinVar:

ClinVar aggregate classification (germline): Uncertain significance (1 of 4 stars; one submission).

Conditions:
Hereditary spastic paraplegia 11. Also called: Spastic Paraplegia 11; SPASTIC PARAPLEGIA, AUTOSOMAL RECESSIVE, COMPLICATED, WITH THIN CORPUS CALLOSUM; SPASTIC PARAPLEGIA, AUTOSOMAL RECESSIVE, WITH MENTAL IMPAIRMENT AND THIN CORPUS CALLOSUM; Spastic paraplegia, mental retardation and thin corpus callosum; Nakamura Osame syndrome; Autosomal recessive hereditary spastic paraplegia, mental impairment, and thin corpus callosum. Identifiers: Orphanet 2822, MedGen C1858479, MONDO:0011445, OMIM 604360.

Allele frequency attached by ClinVar (database versions not stated): gnomAD exomes below 0.00001; gnomAD 0.00003; TOPMed 0.00003.
gnomAD v4.1: 11 of 1,586,098 alleles (0.00069%); highest among the groups gnomAD compares: African/African-American, 0.0094%; no homozygotes.

Submission:

Labcorp Genetics (formerly Invitae), Labcorp
Classification: Uncertain significance for Hereditary spastic paraplegia 11. Last evaluated: 2022-08-05. Review status: criteria provided, single submitter. Criteria: Invitae Variant Classification Sherloc (09022015). Collection method: clinical testing. Allele origin: germline.
Comment: This sequence change replaces arginine, which is basic and polar, with glutamine, which is neutral and polar, at codon 2161 of the SPG11 protein (p.Arg2161Gln). The frequency data for this variant in the population databases is considered unreliable, as metrics indicate poor data quality at this position in the gnomAD database. This variant has not been reported in the literature in individuals affected with SPG11-related conditions. Algorithms developed to predict the effect of missense changes on protein structure and function are either unavailable or do not agree on the potential impact of this missense change (SIFT: "Deleterious"; PolyPhen-2: "Possibly Damaging"; Align-GVGD: "Class C0"). In summary, the available evidence is currently insufficient to determine the role of this variant in disease. Therefore, it has been classified as a Variant of Uncertain Significance.

NM_025137.4(SPG11):c.6482G>A (p.Arg2161Gln)

Gene: SPG11 (SPG11 vesicle trafficking associated, spatacsin; minus strand). Cytogenetic location: 15q21.1.
Variant type: single nucleotide variant.
Coding change: c.6482G>A on transcript NM_025137.4 (MANE Select); coding-DNA position 6482, G replaced by A.
Protein change: p.Arg2161Gln; replaces arginine 2161 with glutamine.
Molecular consequence: missense variant.
Genome position (GRCh38, 1-based): chr15:44,569,501, C>T on the plus strand (G>A on the coding strand, the complement: SPG11 is on the minus strand). VCF-style: chr15-44569501-C-T. GRCh37 (hg19) VCF-style: chr15-44861699-C-T.
Other names: c.6143G>A, p.Arg2048Gln (NM_001160227.2); c.6338G>A, p.Arg2113Gln (NM_001411132.1); short protein forms R2161Q, R2048Q, R2113Q.
Identifiers: ClinVar variation 2065962 (VCV002065962.1), dbSNP rs1017501933, ClinGen allele CA270061664.
Genomic context (GRCh38, chr15:44,569,501, plus strand): 5'-TTATGCAGCAAATCAAATATGTATGTCATCTCGTTGTACCTTCCAATGCCAGTGAGGAGC[C>T]GTACCTGTGAAGTGGGAGGACAGCTCGCATCAGCATCACCTGGAGTCTGGAGTTCTCTGA-3'
Protein context (NP_079413.3, residues 2151-2171): APSEEYGLVV[Arg2161Gln]LLTGIGRYNE